The following is an entry in ClinVar:

ClinVar aggregate classification (germline): Likely benign. Review status: criteria provided, single submitter (1 of 4 stars). 2 submissions from 2 submitters: Likely benign (1). 1 of the submissions does not count toward it. Last evaluated 2025-05-07.

Conditions:
ADCY3-related disorder. Also called: ADCY3-related condition.

Allele frequency attached by ClinVar (database versions not stated): gnomAD exomes 0.00002; ExAC 0.00007; gnomAD 0.00016; TOPMed 0.00017; ESP Exome Variant Server 0.00038.
gnomAD v4.1: 56 of 1,609,656 alleles (0.0035%); highest among the groups gnomAD compares: African/African-American, 0.072%; no homozygotes.

Submissions (2):

Labcorp Genetics (formerly Invitae), Labcorp
Classification: Likely benign. Last evaluated: 2025-05-07. Review status: criteria provided, single submitter. Criteria: Invitae Variant Classification Sherloc (09022015). Collection method: clinical testing. Allele origin: germline.

PreventionGenetics, part of Exact Sciences
Classification: Likely benign for ADCY3-related condition. Last evaluated: 2021-03-03. Review status: no assertion criteria provided. Collection method: clinical testing. Allele origin: germline. Not counted in ClinVar's aggregate classification.
Comment: This variant is classified as likely benign based on ACMG/AMP sequence variant interpretation guidelines (Richards et al. 2015 PMID: 25741868, with internal and published modifications).

NM_004036.5(ADCY3):c.1206G>A (p.Arg402=)

Gene: ADCY3 (adenylate cyclase 3; minus strand). Cytogenetic location: 2p23.3.
Variant type: single nucleotide variant.
Coding change: c.1206G>A on transcript NM_004036.5 (MANE Select); coding-DNA position 1206, G replaced by A.
Protein change: p.Arg402=; no amino-acid change (arginine 402 retained).
Molecular consequence: synonymous variant.
Genome position (GRCh38, 1-based): chr2:24,840,022, C>T on the plus strand (G>A on the coding strand, the complement: ADCY3 is on the minus strand). VCF-style: chr2-24840022-C-T. GRCh37 (hg19) VCF-style: chr2-25062891-C-T.
Other names: c.1206G>A, p.Arg402= (NM_001320613.2, NM_001377128.1, NM_001377129.1 and 2 more transcripts); c.483G>A, p.Arg161= (NM_001377131.1).
Identifiers: ClinVar variation 3033265 (VCV003033265.3), dbSNP rs151230629, ClinGen allele CA1554240.
Genomic context (GRCh38, chr2:24,840,022, plus strand): 5'-CCCCAGCACGGTGCCCGTGTGCACCCCCACACGCATGTCCACCCCAGTCTTGGTCTTCTC[C>T]CGCACATACCTGCCAGGTACACACAGAAAGGAGGGTCAGGGTGTGGCCTTCACGAGGCAG-3'
Protein context (NP_004027.2, residues 392-412): LAMVEAISYV[Arg402=]EKTKTGVDMR